The following is an entry in ClinVar:

ClinVar aggregate classification (germline): Likely benign (0 of 4 stars; one submission).

Conditions:
SLC1A5-related disorder. Also called: SLC1A5-related condition.

Allele frequency attached by ClinVar (database versions not stated): ExAC 0.00067; ESP Exome Variant Server 0.00100; gnomAD 0.00138; 1000 Genomes Project 30x 0.00141; TOPMed 0.00151; 1000 Genomes Project 0.00160.

Submission:

PreventionGenetics, part of Exact Sciences
Classification: Likely benign for SLC1A5-related condition. Last evaluated: 2019-12-20. Review status: no assertion criteria provided. Collection method: clinical testing. Allele origin: germline.
Comment: This variant is classified as likely benign based on ACMG/AMP sequence variant interpretation guidelines (Richards et al. 2015 PMID: 25741868, with internal and published modifications).

NM_005628.3(SLC1A5):c.432G>C (p.Ala144=)

Gene: SLC1A5 (solute carrier family 1 member 5; minus strand). Cytogenetic location: 19q13.32.
Variant type: single nucleotide variant.
Coding change: c.432G>C on transcript NM_005628.3 (MANE Select); coding-DNA position 432, G replaced by C.
Protein change: p.Ala144=; no amino-acid change (alanine 144 retained).
Molecular consequence: synonymous variant.
Genome position (GRCh38, 1-based): chr19:46,787,534, C>G on the plus strand (G>C on the coding strand, the complement: SLC1A5 is on the minus strand). VCF-style: chr19-46787534-C-G. GRCh37 (hg19) VCF-style: chr19-47290791-C-G.
Identifiers: ClinVar variation 3034687 (VCV003034687.2), dbSNP rs368348090, ClinGen allele CA9532802.